The following is an entry in ClinVar:

ClinVar aggregate classification (germline): Uncertain significance (1 of 4 stars; one submission).

Conditions:
BBS12-related disorder. Also called: BBS12-related condition.

gnomAD v4.1: 5 of 1,612,540 alleles (0.00031%); highest among the groups gnomAD compares: Admixed American, 0.0084%; no homozygotes.

Submission:

PreventionGenetics, part of Exact Sciences
Classification: Uncertain significance for BBS12-related condition. Last evaluated: 2025-03-25. Review status: criteria provided, single submitter. Criteria: ACMG Guidelines, 2015. Collection method: clinical testing. Allele origin: germline.
Comment: The BBS12 c.2053C>G variant is predicted to result in the amino acid substitution p.Gln685Glu. To our knowledge, this variant has not been reported in the literature. This variant is reported in 0.0058% of alleles in individuals of Latino descent in gnomAD. At this time, the clinical significance of this variant is uncertain due to the absence of conclusive functional and genetic evidence.

NM_152618.3(BBS12):c.2053C>G (p.Gln685Glu)

Gene: BBS12 (Bardet-Biedl syndrome 12; plus strand). Cytogenetic location: 4q27.
Variant type: single nucleotide variant.
Coding change: c.2053C>G on transcript NM_152618.3 (MANE Select); coding-DNA position 2053, C replaced by G.
Protein change: p.Gln685Glu; replaces glutamine 685 with glutamic acid.
Molecular consequence: missense variant.
Genome position (GRCh38, 1-based): chr4:122,743,945, C>G. VCF-style: chr4-122743945-C-G. GRCh37 (hg19) VCF-style: chr4-123665100-C-G.
Other names: c.2053C>G, p.Gln685Glu (NM_001178007.2); short protein forms Q685E.
Identifiers: ClinVar variation 5001474 (VCV005001474.1).